The following is an entry in ClinVar:

NM_002180.3(IGHMBP2):c.499A>G (p.Ile167Val)

Gene: IGHMBP2 (immunoglobulin mu DNA binding protein 2; plus strand). Cytogenetic location: 11q13.3.
Variant type: single nucleotide variant.
Coding change: c.499A>G on transcript NM_002180.3 (MANE Select); coding-DNA position 499, A replaced by G.
Protein change: p.Ile167Val; replaces isoleucine 167 with valine.
Molecular consequence: missense variant.
Genome position (GRCh38, 1-based): chr11:68,908,583, A>G. VCF-style: chr11-68908583-A-G. GRCh37 (hg19) VCF-style: chr11-68676051-A-G.
Other names: p.Ile167Val; short protein forms I167V.
Identifiers: ClinVar variation 4541645 (VCV004541645.1).

ClinVar aggregate classification (germline): Uncertain significance (1 of 4 stars; one submission).

gnomAD v4.1: 3 of 1,613,984 alleles (0.00019%); highest among the groups gnomAD compares: East Asian, 0.0022%; no homozygotes.

Submission:

Mayo Clinic Laboratories, Mayo Clinic
Classification: Uncertain significance. Last evaluated: 2025-06-17. Review status: criteria provided, single submitter. Criteria: ACMG Guidelines, 2015. Collection method: clinical testing. Allele origin: germline. Observed: 1 variant allele.
Comment: BP4